The following is an entry in ClinVar:

ClinVar aggregate classification (germline): Likely benign (1 of 4 stars; one submission).

Allele frequency attached by ClinVar (database versions not stated): gnomAD 0.00001.

Submission:

CeGaT Center for Human Genetics Tuebingen
Classification: Likely benign. Last evaluated: 2026-07-01. Review status: criteria provided, single submitter. Criteria: CeGaT Center For Human Genetics Tuebingen Variant Classification Criteria Version 2. Collection method: clinical testing. Allele origin: germline. Affected: yes. Observed: 11 variant alleles.
Comment: FAM186A: BP4, BP7

NM_001145475.3(FAM186A):c.4680T>G (p.Ala1560=)

Gene: FAM186A (family with sequence similarity 186 member A; minus strand). Cytogenetic location: 12q13.12.
Variant type: single nucleotide variant.
Coding change: c.4680T>G on transcript NM_001145475.3 (MANE Select); coding-DNA position 4680, T replaced by G.
Protein change: p.Ala1560=; no amino-acid change (alanine 1560 retained).
Molecular consequence: synonymous variant.
Genome position (GRCh38, 1-based): chr12:50,352,152, A>C on the plus strand (T>G on the coding strand, the complement: FAM186A is on the minus strand). VCF-style: chr12-50352152-A-C. GRCh37 (hg19) VCF-style: chr12-50745935-A-C.
Identifiers: ClinVar variation 2642983 (VCV002642983.24), dbSNP rs779255558, ClinGen allele CA6563165.